The following is an entry in ClinVar:

NM_015102.5(NPHP4):c.1319C>T (p.Ser440Leu)

Gene: NPHP4 (nephrocystin 4; minus strand). Cytogenetic location: 1p36.31.
Variant type: single nucleotide variant.
Coding change: c.1319C>T on transcript NM_015102.5 (MANE Select); coding-DNA position 1319, C replaced by T.
Protein change: p.Ser440Leu; replaces serine 440 with leucine.
Molecular consequence: missense variant. On other transcripts: 5 prime UTR variant (2), non-coding transcript variant (1).
Genome position (GRCh38, 1-based): chr1:5,927,771, G>A on the plus strand (C>T on the coding strand, the complement: NPHP4 is on the minus strand). VCF-style: chr1-5927771-G-A. GRCh37 (hg19) VCF-style: chr1-5987831-G-A.
Other names: p.Ser440Leu; c.-48C>T (NM_001291593.2, NM_001291594.2); short protein forms S440L.
Identifiers: ClinVar variation 193899 (VCV000193899.19), dbSNP rs749571139, ClinGen allele CA239606.

ClinVar aggregate classification (germline): Conflicting classifications of pathogenicity. Review status: criteria provided, conflicting classifications (1 of 4 stars). 7 submissions from 6 submitters: Uncertain significance (6); Benign (1). Last evaluated 2024-04-08.

Conditions:
Nephronophthisis. Also called: Juvenile Nephronophthisis. Identifiers: Orphanet 655, MedGen C0687120, MONDO:0019005, HP:0000090.
Senior-Loken syndrome 4 (SLSN4). Identifiers: Orphanet 3156, MedGen C1846979, MONDO:0011756, OMIM 606996.
Nephronophthisis 4 (NPHP4). Also called: NEPHRONOPHTHISIS 4, JUVENILE. Identifiers: Orphanet 655, MedGen C1847013, MONDO:0011752, OMIM 606966.

Allele frequency attached by ClinVar (database versions not stated): ExAC 0.00009; gnomAD 0.00012 and 0.00013; TOPMed 0.00013; gnomAD exomes 0.00018.
gnomAD v4.1: 107 of 1,610,794 alleles (0.0066%); highest among the groups gnomAD compares: Admixed American, 0.095%; no homozygotes.

Submissions (7):

Fulgent Genetics
Classification: Uncertain significance for Nephronophthisis 4; Senior-Loken syndrome 4. Last evaluated: 2024-04-08. Review status: criteria provided, single submitter. Criteria: ACMG Guidelines, 2015. Collection method: clinical testing. Allele origin: germline.

Labcorp Genetics (formerly Invitae), Labcorp
Classification: Uncertain significance for Nephronophthisis. Last evaluated: 2024-01-17. Review status: criteria provided, single submitter. Criteria: Invitae Variant Classification Sherloc (09022015). Collection method: clinical testing. Allele origin: germline.
Comment: This sequence change replaces serine, which is neutral and polar, with leucine, which is neutral and non-polar, at codon 440 of the NPHP4 protein (p.Ser440Leu). This variant is present in population databases (rs749571139, gnomAD 0.1%). This variant has not been reported in the literature in individuals affected with NPHP4-related conditions. ClinVar contains an entry for this variant (Variation ID: 193899). Advanced modeling of protein sequence and biophysical properties (such as structural, functional, and spatial information, amino acid conservation, physicochemical variation, residue mobility, and thermodynamic stability) performed at Invitae indicates that this missense variant is not expected to disrupt NPHP4 protein function with a negative predictive value of 80%. In summary, the available evidence is currently insufficient to determine the role of this variant in disease. Therefore, it has been classified as a Variant of Uncertain Significance.

Blueprint Genetics
Classification: Benign. Last evaluated: 2023-10-14. Review status: criteria provided, single submitter. Criteria: ACMG Guidelines, 2015. Collection method: clinical testing. Allele origin: germline.

Mayo Clinic Laboratories, Mayo Clinic
Classification: Uncertain significance. Last evaluated: 2021-08-27. Review status: criteria provided, single submitter. Criteria: ACMG Guidelines, 2015. Collection method: clinical testing. Allele origin: germline.

Eurofins Ntd Llc (ga)
Classification: Uncertain significance. Last evaluated: 2018-06-07. Review status: criteria provided, single submitter. Criteria: EGL ClinVar v180209 classification definitions. Collection method: clinical testing. Allele origin: germline. Observed: 2 variant alleles, 2 heterozygotes.

Illumina Laboratory Services, Illumina
Classification: Uncertain significance for Nephronophthisis 4. Last evaluated: 2018-01-13. Review status: criteria provided, single submitter. Criteria: ICSL Variant Classification Criteria 13 December 2019. Collection method: clinical testing. Allele origin: germline.

Illumina Laboratory Services, Illumina
Classification: Uncertain significance for Senior-Loken syndrome 4. Last evaluated: 2018-01-13. Review status: criteria provided, single submitter. Criteria: ICSL Variant Classification Criteria 13 December 2019. Collection method: clinical testing. Allele origin: germline.